The following is an entry in ClinVar:

NM_003413.4(ZIC3):c.1211G>T (p.Arg404Leu)

Gene: ZIC3 (Zic family zinc finger 3; plus strand). Cytogenetic location: Xq26.3.
Variant type: single nucleotide variant.
Coding change: c.1211G>T on transcript NM_003413.4 (MANE Select); coding-DNA position 1211, G replaced by T.
Protein change: p.Arg404Leu; replaces arginine 404 with leucine.
Molecular consequence: missense variant.
Genome position (GRCh38, 1-based): chrX:137,569,052, G>T. VCF-style: chrX-137569052-G-T. GRCh37 (hg19) VCF-style: chrX-136651211-G-T.
Other names: c.1211G>T, p.Arg404Leu (NM_001330661.1); short protein forms R404L.
Identifiers: ClinVar variation 1020263 (VCV001020263.8), dbSNP rs1931398768, ClinGen allele CA414771707.
Genomic context (GRCh38, chrX:137,569,052, plus strand): 5'-CGGACAAGCCCTATATCTGCAAAGTGTGCGACAAGTCCTACACGCACCCGAGCTCCCTGC[G>T]CAAACACATGAAGGTAATTACCTCTTTATTAGCGGTCGGCGGTTTGTAAACACTCGGCCC-3'
Protein context (NP_003404.1, residues 394-414): DKSYTHPSSL[Arg404Leu]KHMKVHESQG

ClinVar aggregate classification (germline): Uncertain significance (1 of 4 stars; one submission).

Conditions:
Heterotaxy, visceral, 1, X-linked (HTX1). Also called: Laterality, X-linked; Visceral heterotaxia; DEXTROCARDIA WITH OTHER CARDIAC MALFORMATIONS; SITUS INVERSUS, COMPLEX CARDIAC DEFECTS, AND SPLENIC DEFECTS, X-LINKED. Identifiers: Orphanet 450, MedGen C1844020, MONDO:0010607, OMIM 306955.

Submission:

Labcorp Genetics (formerly Invitae), Labcorp
Classification: Uncertain significance for Heterotaxy, visceral, 1, X-linked. Last evaluated: 2022-07-12. Review status: criteria provided, single submitter. Criteria: Invitae Variant Classification Sherloc (09022015). Collection method: clinical testing. Allele origin: germline.
Comment: In summary, the available evidence is currently insufficient to determine the role of this variant in disease. Therefore, it has been classified as a Variant of Uncertain Significance. Algorithms developed to predict the effect of missense changes on protein structure and function (SIFT, PolyPhen-2, Align-GVGD) all suggest that this variant is likely to be disruptive. ClinVar contains an entry for this variant (Variation ID: 1020263). This variant has not been reported in the literature in individuals affected with ZIC3-related conditions. This variant is not present in population databases (gnomAD no frequency). This sequence change replaces arginine, which is basic and polar, with leucine, which is neutral and non-polar, at codon 404 of the ZIC3 protein (p.Arg404Leu).